The following is an entry in ClinVar:

NM_000443.4(ABCB4):c.2899C>T (p.His967Tyr)

Gene: ABCB4 (ATP binding cassette subfamily B member 4; minus strand). Cytogenetic location: 7q21.12.
Variant type: single nucleotide variant.
Coding change: c.2899C>T on transcript NM_000443.4 (MANE Select); coding-DNA position 2899, C replaced by T.
Protein change: p.His967Tyr; replaces histidine 967 with tyrosine.
Molecular consequence: missense variant. On other transcripts: intron variant (1).
Genome position (GRCh38, 1-based): chr7:87,411,918, G>A on the plus strand (C>T on the coding strand, the complement: ABCB4 is on the minus strand). VCF-style: chr7-87411918-G-A. GRCh37 (hg19) VCF-style: chr7-87041234-G-A.
Other names: c.2899C>T (NM_000443.3); c.2899C>T, p.His967Tyr (NM_018849.3); c.2783+1699C>T (NM_018850.3); short protein forms H967Y.
Identifiers: ClinVar variation 593789 (VCV000593789.7), dbSNP rs575565764, ClinGen allele CA4326915.

ClinVar aggregate classification (germline): Uncertain significance. Review status: criteria provided, multiple submitters, no conflicts (2 of 4 stars). 3 submissions from 3 submitters: Uncertain significance (3). Last evaluated 2026-06-25.

Conditions:
ABCB4-related disorder. Also called: ABCB4-related disorders; ABCB4-related condition.
Inborn genetic diseases. Identifiers: MedGen C0950123, MeSH D030342.

Allele frequency attached by ClinVar (database versions not stated): gnomAD 0.00001; gnomAD exomes 0.00001; TOPMed 0.00001; ExAC 0.00002; 1000 Genomes Project 0.00020; 1000 Genomes Project 30x 0.00031.
gnomAD v4.1: 20 of 1,613,632 alleles (0.0012%); highest among the groups gnomAD compares: South Asian, 0.018%; no homozygotes.

Submissions (3):

PreventionGenetics, part of Exact Sciences
Classification: Uncertain significance for ABCB4-related condition. Last evaluated: 2026-06-25. Review status: criteria provided, single submitter. Criteria: ACMG Guidelines, 2015. Collection method: clinical testing. Allele origin: germline.
Comment: The ABCB4 c.2899C>T variant is predicted to result in the amino acid substitution p.His967Tyr. To our knowledge, this variant has not been reported in the literature. This variant is reported in 0.0065% of alleles in individuals of South Asian descent in gnomAD. At this time, the clinical significance of this variant is uncertain due to the absence of conclusive functional and genetic evidence.

Ambry Genetics
Classification: Uncertain significance for Inborn genetic diseases. Last evaluated: 2024-04-23. Review status: criteria provided, single submitter. Criteria: Ambry Variant Classification Scheme 2023. Collection method: clinical testing. Allele origin: germline.

Eurofins Ntd Llc (ga)
Classification: Uncertain significance. Last evaluated: 2017-09-08. Review status: criteria provided, single submitter. Criteria: EGL Classification Definitions 2015. Collection method: clinical testing. Allele origin: germline. Observed: 1 variant allele, 1 heterozygote.